The following is an entry in ClinVar:

NM_002354.3(EPCAM):c.191C>A (p.Ala64Asp)

Gene: EPCAM (epithelial cell adhesion molecule; plus strand). Cytogenetic location: 2p21.
Variant type: single nucleotide variant.
Coding change: c.191C>A on transcript NM_002354.3 (MANE Select); coding-DNA position 191, C replaced by A.
Protein change: p.Ala64Asp; replaces alanine 64 with aspartic acid.
Molecular consequence: missense variant.
Genome position (GRCh38, 1-based): chr2:47,373,814, C>A. VCF-style: chr2-47373814-C-A. GRCh37 (hg19) VCF-style: chr2-47600953-C-A.
Other names: short protein forms A64D.
Identifiers: ClinVar variation 3222089 (VCV003222089.2), dbSNP rs757221695, ClinGen allele CA346722742.

ClinVar aggregate classification (germline): Uncertain significance (1 of 4 stars; one submission).

Conditions:
Hereditary cancer-predisposing syndrome. Also called: Tumor predisposition; Hereditary neoplastic syndrome; Hereditary Cancer Syndrome; Neoplastic Syndromes, Hereditary. Identifiers: Orphanet 140162, MedGen C0027672, MeSH D009386, MONDO:0015356.

Allele frequency attached by ClinVar (database versions not stated): TOPMed below 0.00001.

Submission:

Ambry Genetics
Classification: Uncertain significance for Hereditary cancer-predisposing syndrome. Last evaluated: 2025-05-10. Review status: criteria provided, single submitter. Criteria: Ambry Variant Classification Scheme 2023. Collection method: clinical testing. Allele origin: germline.
Comment: The p.A64D variant (also known as c.191C>A), located in coding exon 3 of the EPCAM gene, results from a C to A substitution at nucleotide position 191. The alanine at codon 64 is replaced by aspartic acid, an amino acid with dissimilar properties. This amino acid position is conserved. In addition, this alteration is predicted to be tolerated by in silico analysis. Since supporting evidence is limited at this time, the clinical significance of this alteration remains unclear.